The following is an entry in ClinVar:

NM_001378454.1(ALMS1):c.12313C>T (p.Gln4105Ter)

Gene: ALMS1 (ALMS1 centrosome and basal body associated protein; plus strand). Cytogenetic location: 2p13.1.
Variant type: single nucleotide variant.
Coding change: c.12313C>T on transcript NM_001378454.1 (MANE Select); coding-DNA position 12313, C replaced by T.
Protein change: p.Gln4105Ter; replaces glutamine 4105 with a stop codon.
Molecular consequence: nonsense.
Genome position (GRCh38, 1-based): chr2:73,603,255, C>T. VCF-style: chr2-73603255-C-T. GRCh37 (hg19) VCF-style: chr2-73830382-C-T.
Other names: c.12316C>T, p.Gln4106Ter (NM_015120.4); short protein forms Q4106*, Q4105*.
Identifiers: ClinVar variation 2626190 (VCV002626190.5), dbSNP rs2466529587, ClinGen allele CA347271114.

ClinVar aggregate classification (germline): Pathogenic. Review status: criteria provided, multiple submitters, no conflicts (2 of 4 stars). 2 submissions from 2 submitters: Pathogenic (2). Last evaluated 2023-07-26.

Conditions:
Cardiovascular phenotype. Identifiers: MedGen CN230736.
Alstrom syndrome (ALMS). Identifiers: Orphanet 64, MedGen C0268425, MONDO:0008763, OMIM 203800.

Submissions (2):

Ambry Genetics
Classification: Pathogenic for Cardiovascular phenotype. Last evaluated: 2023-07-26. Review status: criteria provided, single submitter. Criteria: Ambry Variant Classification Scheme 2023. Collection method: clinical testing. Allele origin: germline.
Comment: The p.Q4106* pathogenic mutation (also known as c.12316C>T), located in coding exon 21 of the ALMS1 gene, results from a C to T substitution at nucleotide position 12316. This changes the amino acid from a glutamine to a stop codon within coding exon 21. This variant is considered to be rare based on population cohorts in the Genome Aggregation Database (gnomAD). This alteration is expected to result in loss of function by premature protein truncation or nonsense-mediated mRNA decay. As such, this alteration is interpreted as a disease-causing mutation.

Labcorp Genetics (formerly Invitae), Labcorp
Classification: Pathogenic for Alstrom syndrome. Last evaluated: 2023-06-09. Review status: criteria provided, single submitter. Criteria: Invitae Variant Classification Sherloc (09022015). Collection method: clinical testing. Allele origin: germline.
Comment: For these reasons, this variant has been classified as Pathogenic. This variant has not been reported in the literature in individuals affected with ALMS1-related conditions. This variant is not present in population databases (gnomAD no frequency). This sequence change creates a premature translational stop signal (p.Gln4106*) in the ALMS1 gene. It is expected to result in an absent or disrupted protein product. Loss-of-function variants in ALMS1 are known to be pathogenic (PMID: 17594715).

Literature cited by the submitters: PubMed 17594715 (cited by Labcorp Genetics (formerly Invitae), Labcorp).